The following is an entry in ClinVar:

NM_001063.4(TF):c.887A>G (p.Asp296Gly)

Gene: TF (transferrin; plus strand). Cytogenetic location: 3q22.1.
Variant type: single nucleotide variant.
Coding change: c.887A>G on transcript NM_001063.4 (MANE Select); coding-DNA position 887, A replaced by G.
Protein change: p.Asp296Gly; replaces aspartic acid 296 with glycine.
Molecular consequence: missense variant.
Genome position (GRCh38, 1-based): chr3:133,757,785, A>G. VCF-style: chr3-133757785-A-G. GRCh37 (hg19) VCF-style: chr3-133476629-A-G.
Other names: c.755A>G, p.Asp252Gly (NM_001354703.2); c.506A>G, p.Asp169Gly (NM_001354704.2); short protein forms D296G, D169G, D252G.
Identifiers: ClinVar variation 343441 (VCV000343441.18), dbSNP rs8177238, ClinGen allele CA2625131.

ClinVar aggregate classification (germline): Benign/Likely benign. Review status: criteria provided, multiple submitters, no conflicts (2 of 4 stars). 5 submissions from 5 submitters: Benign (2); Likely benign (3). Last evaluated 2026-01-31.

Conditions:
Atransferrinemia. Also called: Familial hypotransferrinemia. Identifiers: Orphanet 1195, MedGen C0521802, MONDO:0008846, OMIM 209300, HP:0012239.

Allele frequency attached by ClinVar (database versions not stated): gnomAD exomes 0.00114 and 0.00288; ExAC 0.00356; gnomAD 0.01164 and 0.01230; TOPMed 0.01322; ESP Exome Variant Server 0.01338; 1000 Genomes Project 0.01398; 1000 Genomes Project 30x 0.01562.
gnomAD v4.1: 3,514 of 1,614,242 alleles (0.22%); highest among the groups gnomAD compares: African/African-American, 4.1%; 78 homozygotes.

Submissions (5):

Labcorp Genetics (formerly Invitae), Labcorp
Classification: Benign. Last evaluated: 2026-01-31. Review status: criteria provided, single submitter. Criteria: Invitae Variant Classification Sherloc (09022015). Collection method: clinical testing. Allele origin: germline.

Fulgent Genetics
Classification: Benign for Atransferrinemia. Last evaluated: 2022-05-16. Review status: criteria provided, single submitter. Criteria: ACMG Guidelines, 2015. Collection method: clinical testing. Allele origin: unknown.

Illumina Laboratory Services, Illumina
Classification: Likely benign for Atransferrinemia. Last evaluated: 2017-04-27. Review status: criteria provided, single submitter. Criteria: ICSL Variant Classification Criteria 13 December 2019. Collection method: clinical testing. Allele origin: germline.
Comment: This variant was observed as part of a predisposition screen in an ostensibly healthy population. A literature search was performed for the gene, cDNA change, and amino acid change (where applicable). Publications were found based on this search. The evidence from the literature, in combination with allele frequency data from public databases where available, was sufficient to determine this variant is unlikely to cause disease. Therefore, this variant is classified as likely benign.

Center for Pediatric Genomic Medicine, Children's Mercy Hospital and Clinics
Classification: Likely benign. Last evaluated: 2016-10-11. Review status: criteria provided, single submitter. Criteria: ACMG Guidelines, 2015. Collection method: clinical testing. Allele origin: germline.
ClinVar note: Converted during submission from Likely Benign to Likely benign.

Breakthrough Genomics
Classification: Likely benign. Review status: criteria provided, single submitter. Criteria: ACMG Guidelines, 2015. Collection method: not provided. Allele origin: germline. Inheritance: Autosomal recessive inheritance. Affected: yes.

Literature cited by the submitters: PubMed 6585826 (cited by Illumina Laboratory Services, Illumina).